The following is an entry in ClinVar:

ClinVar aggregate classification (germline): Uncertain significance. Review status: criteria provided, multiple submitters, no conflicts (2 of 4 stars). 2 submissions from 2 submitters: Uncertain significance (2). Last evaluated 2026-02-23.

Allele frequency attached by ClinVar (database versions not stated): gnomAD 0.00001.
gnomAD v4.1: 1 of 1,613,054 alleles (0.000062%); highest among the groups gnomAD compares: African/African-American, 0.0013%; no homozygotes.

Submissions (2):

Ambry Genetics
Classification: Uncertain significance. Last evaluated: 2026-02-23. Review status: criteria provided, single submitter. Criteria: Ambry Variant Classification Scheme 2023. Collection method: clinical testing. Allele origin: germline.
Comment: The p.T58S variant (also known as c.173C>G), located in coding exon 3 of the RPS20 gene, results from a C to G substitution at nucleotide position 173. The threonine at codon 58 is replaced by serine, an amino acid with similar properties. This amino acid position is conserved. In addition, this alteration is predicted to be deleterious by in silico analysis. Based on the available evidence, the clinical significance of this variant remains unclear.

Labcorp Genetics (formerly Invitae), Labcorp
Classification: Uncertain significance. Last evaluated: 2021-04-09. Review status: criteria provided, single submitter. Criteria: Invitae Variant Classification Sherloc (09022015). Collection method: clinical testing. Allele origin: germline.
Comment: In summary, the available evidence is currently insufficient to determine the role of this variant in disease. Therefore, it has been classified as a Variant of Uncertain Significance. Algorithms developed to predict the effect of missense changes on protein structure and function are either unavailable or do not agree on the potential impact of this missense change (SIFT: "Deleterious"; PolyPhen-2: "Benign"; Align-GVGD: "Class C55"). This variant has not been reported in the literature in individuals with RPS20-related conditions. This variant is not present in population databases (ExAC no frequency). This sequence change replaces threonine with serine at codon 58 of the RPS20 protein (p.Thr58Ser). The threonine residue is highly conserved and there is a small physicochemical difference between threonine and serine.

NM_001023.4(RPS20):c.173C>G (p.Thr58Ser)

Gene: RPS20 (ribosomal protein S20; minus strand). Cytogenetic location: 8q12.1.
Variant type: single nucleotide variant.
Coding change: c.173C>G on transcript NM_001023.4 (MANE Select); coding-DNA position 173, C replaced by G.
Protein change: p.Thr58Ser; replaces threonine 58 with serine.
Molecular consequence: missense variant.
Genome position (GRCh38, 1-based): chr8:56,073,699, G>C on the plus strand (C>G on the coding strand, the complement: RPS20 is on the minus strand). VCF-style: chr8-56073699-G-C. GRCh37 (hg19) VCF-style: chr8-56986258-G-C.
Other names: c.173C>G, p.Thr58Ser (NM_001146227.3); c.173C>G (NM_001023.3); short protein forms T58S.
Identifiers: ClinVar variation 1468727 (VCV001468727.9), dbSNP rs1483934807, ClinGen allele CA371283491.